The following is an entry in ClinVar:

ClinVar aggregate classification (germline): Likely benign (0 of 4 stars; one submission).

Conditions:
OTOGL-related disorder. Also called: OTOGL-related condition.

Allele frequency attached by ClinVar (database versions not stated): gnomAD 0.00001; ExAC 0.00008.
gnomAD v4.1: 10 of 1,554,952 alleles (0.00064%); highest among the groups gnomAD compares: Admixed American, 0.0038%; no homozygotes.

Submission:

PreventionGenetics, part of Exact Sciences
Classification: Likely benign for OTOGL-related condition. Last evaluated: 2019-06-21. Review status: no assertion criteria provided. Collection method: clinical testing. Allele origin: germline.
Comment: This variant is classified as likely benign based on ACMG/AMP sequence variant interpretation guidelines (Richards et al. 2015 PMID: 25741868, with internal and published modifications).

NM_001378609.3(OTOGL):c.837C>T (p.Ile279=)

Gene: OTOGL (otogelin like; plus strand). Cytogenetic location: 12q21.31.
Variant type: single nucleotide variant.
Coding change: c.837C>T on transcript NM_001378609.3 (MANE Select); coding-DNA position 837, C replaced by T.
Protein change: p.Ile279=; no amino-acid change (isoleucine 279 retained).
Molecular consequence: synonymous variant.
Genome position (GRCh38, 1-based): chr12:80,238,870, C>T. VCF-style: chr12-80238870-C-T. GRCh37 (hg19) VCF-style: chr12-80632650-C-T.
Other names: c.837C>T, p.Ile279= (NM_001368062.3, NM_001378610.3, NM_173591.7).
Identifiers: ClinVar variation 3043153 (VCV003043153.2), dbSNP rs767987736, ClinGen allele CA6700282.